The following is an entry in ClinVar:

ClinVar aggregate classification (germline): Conflicting classifications of pathogenicity. Review status: criteria provided, conflicting classifications (1 of 4 stars). 3 submissions from 3 submitters: Uncertain significance (2); Likely benign (1). Last evaluated 2025-09-26.

Allele frequency attached by ClinVar (database versions not stated): gnomAD exomes below 0.00001; gnomAD 0.00001; TOPMed 0.00001.
gnomAD v4.1: 6 of 1,614,002 alleles (0.00037%); highest among the groups gnomAD compares: Admixed American, 0.0017%; no homozygotes.

Submissions (3):

Labcorp Genetics (formerly Invitae), Labcorp
Classification: Likely benign. Last evaluated: 2025-09-26. Review status: criteria provided, single submitter. Criteria: Invitae Variant Classification Sherloc (09022015). Collection method: clinical testing. Allele origin: germline.

GeneDx
Classification: Uncertain significance. Last evaluated: 2024-03-13. Review status: criteria provided, single submitter. Criteria: GeneDx Variant Classification Process June 2021. Collection method: clinical testing. Allele origin: germline. Affected: yes.
Comment: Has not been previously published as pathogenic or benign to our knowledge; Not observed at significant frequency in large population cohorts (gnomAD); In silico analysis supports that this missense variant has a deleterious effect on protein structure/function

Eurofins Ntd Llc (ga)
Classification: Uncertain significance. Last evaluated: 2018-07-25. Review status: criteria provided, single submitter. Criteria: EGL ClinVar v180209 classification definitions. Collection method: clinical testing. Allele origin: germline. Observed: 1 variant allele, 1 heterozygote.

NM_001854.4(COL11A1):c.2725G>A (p.Asp909Asn)

Gene: COL11A1 (collagen type XI alpha 1 chain; minus strand). Cytogenetic location: 1p21.1.
Variant type: single nucleotide variant.
Coding change: c.2725G>A on transcript NM_001854.4 (MANE Select); coding-DNA position 2725, G replaced by A.
Protein change: p.Asp909Asn; replaces aspartic acid 909 with asparagine.
Molecular consequence: missense variant. On other transcripts: non-coding transcript variant (1).
Genome position (GRCh38, 1-based): chr1:102,978,737, C>T on the plus strand (G>A on the coding strand, the complement: COL11A1 is on the minus strand). VCF-style: chr1-102978737-C-T. GRCh37 (hg19) VCF-style: chr1-103444293-C-T.
Other names: c.2608G>A, p.Asp870Asn (NM_001190709.2); c.2761G>A, p.Asp921Asn (NM_080629.3); c.2377G>A, p.Asp793Asn (NM_080630.4); short protein forms D909N, D921N, D793N, D870N.
Identifiers: ClinVar variation 451111 (VCV000451111.11), dbSNP rs779028602, ClinGen allele CA341162977.